The following is an entry in ClinVar:

NM_013975.4(LIG3):c.2796+6G>A

Gene: LIG3 (DNA ligase 3; plus strand). Cytogenetic location: 17q12.
Variant type: single nucleotide variant.
Coding change: c.2796+6G>A on transcript NM_013975.4 (MANE Select); 6 bases into the intron after coding-DNA position 2796, G replaced by A.
Molecular consequence: intron variant.
Genome position (GRCh38, 1-based): chr17:35,002,795, G>A. VCF-style: chr17-35002795-G-A. GRCh37 (hg19) VCF-style: chr17-33329814-G-A.
Other names: c.2796+6G>A (NM_002311.5).
Identifiers: ClinVar variation 717561 (VCV000717561.29), dbSNP rs75467031, ClinGen allele CA8498756.

ClinVar aggregate classification (germline): Likely benign. Review status: criteria provided, multiple submitters, no conflicts (2 of 4 stars). 4 submissions from 4 submitters: Likely benign (4). Last evaluated 2024-11-27.

Allele frequency attached by ClinVar (database versions not stated): 1000 Genomes Project 30x 0.00094; 1000 Genomes Project 0.00120; gnomAD 0.00138 and 0.00144; TOPMed 0.00144; gnomAD exomes 0.00150 and 0.00189; ESP Exome Variant Server 0.00208; ExAC 0.00244.
gnomAD v4.1: 2,400 of 1,590,796 alleles (0.15%); highest among the groups gnomAD compares: Middle Eastern, 0.27%; 3 homozygotes.

Submissions (4):

Blueprint Genetics
Classification: Likely benign. Last evaluated: 2024-11-27. Review status: criteria provided, single submitter. Criteria: ACMG Guidelines, 2015. Collection method: clinical testing. Allele origin: germline.

CeGaT Center for Human Genetics Tuebingen
Classification: Likely benign. Last evaluated: 2023-03-01. Review status: criteria provided, single submitter. Criteria: CeGaT Center For Human Genetics Tuebingen Variant Classification Criteria Version 2. Collection method: clinical testing. Allele origin: germline. Affected: yes. Observed: 1 variant allele.
Comment: LIG3: BP4

Labcorp Genetics (formerly Invitae), Labcorp
Classification: Likely benign. Last evaluated: 2018-04-12. Review status: criteria provided, single submitter. Criteria: Invitae Variant Classification Sherloc (09022015). Collection method: clinical testing. Allele origin: germline.

Breakthrough Genomics
Classification: Likely benign. Review status: criteria provided, single submitter. Criteria: ACMG Guidelines, 2015. Collection method: not provided. Allele origin: germline. Inheritance: Autosomal recessive inheritance. Affected: yes.